The following is an entry in ClinVar:

NM_001134673.4(NFIA):c.227T>A (p.Leu76Gln)

Gene: NFIA (nuclear factor I A; plus strand). Cytogenetic location: 1p31.3.
Variant type: single nucleotide variant.
Coding change: c.227T>A on transcript NM_001134673.4 (MANE Select); coding-DNA position 227, T replaced by A.
Protein change: p.Leu76Gln; replaces leucine 76 with glutamine.
Molecular consequence: missense variant.
Genome position (GRCh38, 1-based): chr1:61,088,348, T>A. VCF-style: chr1-61088348-T-A. GRCh37 (hg19) VCF-style: chr1-61554020-T-A.
Other names: c.203T>A, p.Leu68Gln (NM_001145511.2); c.362T>A, p.Leu121Gln (NM_001145512.2); c.227T>A, p.Leu76Gln (NM_005595.5); short protein forms L121Q, L68Q, L76Q.
Identifiers: ClinVar variation 4056653 (VCV004056653.1).
Genomic context (GRCh38, chr1:61,088,348, plus strand): 5'-TGAAGGATGAATTGCTAAGTGAAAAACCAGAGGTCAAGCAGAAGTGGGCATCTCGACTTC[T>A]GGCAAAGTTGCGGAAAGATATCCGACCCGAATATCGAGAGGATTTTGTTCTTACAGTTAC-3'
Protein context (NP_001128145.1, residues 66-86): EVKQKWASRL[Leu76Gln]AKLRKDIRPE

ClinVar aggregate classification (germline): Uncertain significance (1 of 4 stars; one submission).

Conditions:
Brain malformations with or without urinary tract defects. Also called: Brain malformations and urinary tract defects. Identifiers: MedGen C4478940, MONDO:0100478, OMIM 613735.

Submission:

Laboratorio de Genetica e Diagnostico Molecular, Hospital Israelita Albert Einstein
Classification: Uncertain significance for Brain malformations with or without urinary tract defects. Last evaluated: 2023-08-11. Review status: criteria provided, single submitter. Criteria: ACMG Guidelines, 2015. Collection method: clinical testing. Allele origin: germline. Affected: yes.
Comment: ACMG classification criteria: PM2 moderate, PP2 supporting, PP3 supporting